The following is an entry in ClinVar:

ClinVar aggregate classification (germline): Uncertain significance (1 of 4 stars; one submission).

Conditions:
Catecholaminergic polymorphic ventricular tachycardia (CVPT). Also called: Catecholamine-induced polymorphic ventricular tachycardia. Identifiers: Orphanet 3286, MedGen C5574922, MONDO:0017990.

gnomAD v4.1: 2 of 1,609,304 alleles (0.00012%); highest among the groups gnomAD compares: Non-Finnish European, 0.00017%; no homozygotes.

Submission:

All of Us Research Program, National Institutes of Health
Classification: Uncertain significance for Catecholaminergic polymorphic ventricular tachycardia. Last evaluated: 2024-08-13. Review status: criteria provided, single submitter. Criteria: ACMG Guidelines, 2015. Collection method: clinical testing. Allele origin: germline. Inheritance: Autosomal dominant inheritance. Observed: 1 variant allele, 1 heterozygote.
Comment: This missense variant replaces methionine with valine at codon 2066 of the RYR2 protein. Computational prediction suggests that this variant may not impact protein structure and function (internally defined REVEL score threshold <= 0.5, PMID: 27666373). To our knowledge, functional studies have not been reported for this variant. This variant has not been reported in individuals affected with RYR2-related disorders in the literature. This variant has not been identified in the general population by the Genome Aggregation Database (gnomAD). The available evidence is insufficient to determine the role of this variant in disease conclusively. Therefore, this variant is classified as a Variant of Uncertain Significance.

This study involves interpretation of variants in research participants for the purpose of population health screening. Participant phenotype was not available at the time of variant classification. Additional details can be found in publication PMID: 35346344, PMCID: PMC8962531

NM_001035.3(RYR2):c.6196A>G (p.Met2066Val)

Gene: RYR2 (ryanodine receptor 2; plus strand). Cytogenetic location: 1q43.
Variant type: single nucleotide variant.
Coding change: c.6196A>G on transcript NM_001035.3 (MANE Select); coding-DNA position 6196, A replaced by G.
Protein change: p.Met2066Val; replaces methionine 2066 with valine.
Molecular consequence: missense variant.
Genome position (GRCh38, 1-based): chr1:237,627,836, A>G. VCF-style: chr1-237627836-A-G. GRCh37 (hg19) VCF-style: chr1-237791136-A-G.
Other names: short protein forms M2066V.
Identifiers: ClinVar variation 3385757 (VCV003385757.1).